The following is an entry in ClinVar:

ClinVar aggregate classification (germline): Uncertain significance (1 of 4 stars; one submission).

Conditions:
Primary dilated cardiomyopathy (DCM). Also called: Dilated Cardiomyopathy. Identifiers: Orphanet 217604, MedGen C0007193, MeSH D002311, MONDO:0005021, HP:0001644. Inheritance: Various modes of inheritance.

Submission:

Labcorp Genetics (formerly Invitae), Labcorp
Classification: Uncertain significance for Primary dilated cardiomyopathy. Last evaluated: 2023-10-03. Review status: criteria provided, single submitter. Criteria: Invitae Variant Classification Sherloc (09022015). Collection method: clinical testing. Allele origin: germline.
Comment: This sequence change replaces proline, which is neutral and non-polar, with histidine, which is basic and polar, at codon 369 of the TXNRD2 protein (p.Pro369His). This variant is not present in population databases (gnomAD no frequency). This variant has not been reported in the literature in individuals affected with TXNRD2-related conditions. ClinVar contains an entry for this variant (Variation ID: 1423094). Advanced modeling of protein sequence and biophysical properties (such as structural, functional, and spatial information, amino acid conservation, physicochemical variation, residue mobility, and thermodynamic stability) performed at Invitae indicates that this missense variant is not expected to disrupt TXNRD2 protein function. In summary, the available evidence is currently insufficient to determine the role of this variant in disease. Therefore, it has been classified as a Variant of Uncertain Significance.

NM_006440.5(TXNRD2):c.1106C>A (p.Pro369His)

Gene: TXNRD2 (thioredoxin reductase 2; minus strand). Cytogenetic location: 22q11.21.
Variant type: single nucleotide variant.
Coding change: c.1106C>A on transcript NM_006440.5 (MANE Select); coding-DNA position 1106, C replaced by A.
Protein change: p.Pro369His; replaces proline 369 with histidine.
Molecular consequence: missense variant. On other transcripts: non-coding transcript variant (1).
Genome position (GRCh38, 1-based): chr22:19,880,698, G>T on the plus strand (C>A on the coding strand, the complement: TXNRD2 is on the minus strand). VCF-style: chr22-19880698-G-T. GRCh37 (hg19) VCF-style: chr22-19868221-G-T.
Other names: c.1103C>A, p.Pro368His (NM_001352300.2); c.1016C>A, p.Pro339His (NM_001352301.2); c.818C>A, p.Pro273His (NM_001352302.2); short protein forms P273H, P339H, P368H, P369H.
Identifiers: ClinVar variation 1423094 (VCV001423094.6), dbSNP rs1489194482, ClinGen allele CA410682028.